The following is an entry in ClinVar:

NM_000090.4(COL3A1):c.410C>T (p.Pro137Leu)

Gene: COL3A1 (collagen type III alpha 1 chain; plus strand). Cytogenetic location: 2q32.2.
Variant type: single nucleotide variant.
Coding change: c.410C>T on transcript NM_000090.4 (MANE Select); coding-DNA position 410, C replaced by T.
Protein change: p.Pro137Leu; replaces proline 137 with leucine.
Molecular consequence: missense variant.
Genome position (GRCh38, 1-based): chr2:188,985,741, C>T. VCF-style: chr2-188985741-C-T. GRCh37 (hg19) VCF-style: chr2-189850467-C-T.
Other names: short protein forms P137L.
Identifiers: ClinVar variation 4881860 (VCV004881860.2).
Genomic context (GRCh38, chr2:188,985,741, plus strand): 5'-CTGGGAGAAATGGTGACCCTGGTATTCCAGGACAACCAGGGTCCCCTGGTTCTCCTGGCC[C>T]CCCTGGAATCTGTGAATCATGCCCTACTGGTCCTCAGGTATAACAATTACGGTACTTAAA-3'
Protein context (NP_000081.2, residues 127-147): GQPGSPGSPG[Pro137Leu]PGICESCPTG

ClinVar aggregate classification (germline): Uncertain significance (1 of 4 stars; one submission).

Submission:

Dasa
Classification: Uncertain significance. Last evaluated: 2025-06-07. Review status: criteria provided, single submitter. Criteria: DASA Assertion Criteria. Collection method: clinical testing. Allele origin: germline.
Comment: NM_000090.4(COL3A1):c.410C>T (p.Pro137Leu) is a missense variant that results in the substitution of proline with leucine. This variant is absent from population databases. Computational prediction algorithms are consistent with a benign effect. The currently available literature and clinical evidence are not sufficient to establish a definitive association between this variant and the reported condition. Therefore, this variant is classified as a variant of uncertain significance.